The following is an entry in ClinVar:

ClinVar aggregate classification (germline): Uncertain significance (1 of 4 stars; one submission).

Allele frequency attached by ClinVar (database versions not stated): gnomAD 0.00001 and 0.00002; TOPMed 0.00001; gnomAD exomes 0.00002 and 0.00004; ExAC 0.00004.
gnomAD v4.1: 64 of 1,613,850 alleles (0.004%); highest among the groups gnomAD compares: East Asian, 0.089%; no homozygotes.

Submission:

Labcorp Genetics (formerly Invitae), Labcorp
Classification: Uncertain significance. Last evaluated: 2021-04-11. Review status: criteria provided, single submitter. Criteria: Invitae Variant Classification Sherloc (09022015). Collection method: clinical testing. Allele origin: germline.
Comment: In summary, the available evidence is currently insufficient to determine the role of this variant in disease. Therefore, it has been classified as a Variant of Uncertain Significance. This sequence change replaces aspartic acid with asparagine at codon 2011 of the HTT protein (p.Asp2011Asn). The aspartic acid residue is highly conserved and there is a small physicochemical difference between aspartic acid and asparagine. This variant is present in population databases (rs773337081, ExAC 0.02%). This variant has not been reported in the literature in individuals with HTT-related conditions. Experimental studies and prediction algorithms are not available or were not evaluated, and the functional significance of this variant is currently unknown.

NM_001388492.1(HTT):c.6025G>A (p.Asp2009Asn)

Gene: HTT (huntingtin; plus strand). Cytogenetic location: 4p16.3.
Variant type: single nucleotide variant.
Coding change: c.6025G>A on transcript NM_001388492.1 (MANE Select); coding-DNA position 6025, G replaced by A.
Protein change: p.Asp2009Asn; replaces aspartic acid 2009 with asparagine.
Molecular consequence: missense variant.
Genome position (GRCh38, 1-based): chr4:3,206,933, G>A. VCF-style: chr4-3206933-G-A. GRCh37 (hg19) VCF-style: chr4-3208660-G-A.
Other names: c.6031G>A, p.Asp2011Asn (NM_002111.8); short protein forms D2009N, D2011N.
Identifiers: ClinVar variation 1397228 (VCV001397228.6), dbSNP rs773337081, ClinGen allele CA2824881.
Genomic context (GRCh38, chr4:3,206,933, plus strand): 5'-CTCACGCTGTATGTGGACAGGCTTCTGTGCACCCCTTTCCGTGTGCTGGCTCGCATGGTC[G>A]ACATCCTTGCTTGTCGCCGGGTAGAAATGCTTCTGGCTGCAAATTTACAGGTATTGGGAA-3'
Protein context (NP_001375421.1, residues 1999-2019): TPFRVLARMV[Asp2009Asn]ILACRRVEML